The following is an entry in ClinVar:

NM_001171.6(ABCC6):c.1555G>A (p.Gly519Ser)

Gene: ABCC6 (ATP binding cassette subfamily C member 6; minus strand). Cytogenetic location: 16p13.11.
Variant type: single nucleotide variant.
Coding change: c.1555G>A on transcript NM_001171.6 (MANE Select); coding-DNA position 1555, G replaced by A.
Protein change: p.Gly519Ser; replaces glycine 519 with serine.
Molecular consequence: missense variant. On other transcripts: non-coding transcript variant (1).
Genome position (GRCh38, 1-based): chr16:16,190,244, C>T on the plus strand (G>A on the coding strand, the complement: ABCC6 is on the minus strand). VCF-style: chr16-16190244-C-T. GRCh37 (hg19) VCF-style: chr16-16284101-C-T.
Other names: c.1213G>A, p.Gly405Ser (NM_001351800.1); short protein forms G405S, G519S.
Identifiers: ClinVar variation 1463638 (VCV001463638.7), dbSNP rs2047802820, ClinGen allele CA394889679.
Genomic context (GRCh38, chr16:16,190,244, plus strand): 5'-AGGACACCAGCGACACAGAGAAGAGGAGGCCGGAGGTCCGCAAGGCGCCCAGCTCCTGGC[C>T]TCGGATGCCCAGGACTCTGTCCAGAAAGGCTCCCTCCCAGCCATGGAACTTGATGGTCTT-3'
Protein context (NP_001162.5, residues 509-529): AFLDRVLGIR[Gly519Ser]QELGALRTSG

ClinVar aggregate classification (germline): Uncertain significance. Review status: criteria provided, multiple submitters, no conflicts (2 of 4 stars). 2 submissions from 2 submitters: Uncertain significance (2). Last evaluated 2022-06-05.

Conditions:
Autosomal recessive inherited pseudoxanthoma elasticum (PXE). Identifiers: Orphanet 758, MedGen CN032334, MONDO:0009925, OMIM 264800.
Pseudoxanthoma elasticum, forme fruste. Also called: PSEUDOXANTHOMA ELASTICUM, HETEROZYGOUS; Pseudoxanthoma Elasticum, Incomplete. Identifiers: Orphanet 758, MedGen C1867450, MONDO:0008333, OMIM 177850.
Arterial calcification, generalized, of infancy, 2. Identifiers: Orphanet 51608, MedGen C3276161, MONDO:0013768, OMIM 614473.

Allele frequency attached by ClinVar (database versions not stated): gnomAD exomes below 0.00001; TOPMed below 0.00001.
gnomAD v4.1: 1 of 1,614,146 alleles (0.000062%); highest among the groups gnomAD compares: Non-Finnish European, 0.000085%; no homozygotes.

Submissions (2):

Labcorp Genetics (formerly Invitae), Labcorp
Classification: Uncertain significance. Last evaluated: 2022-06-05. Review status: criteria provided, single submitter. Criteria: Invitae Variant Classification Sherloc (09022015). Collection method: clinical testing. Allele origin: germline.
Comment: This sequence change replaces glycine, which is neutral and non-polar, with serine, which is neutral and polar, at codon 519 of the ABCC6 protein (p.Gly519Ser). This variant is not present in population databases (gnomAD no frequency). This variant has not been reported in the literature in individuals affected with ABCC6-related conditions. ClinVar contains an entry for this variant (Variation ID: 1463638). Advanced modeling of protein sequence and biophysical properties (such as structural, functional, and spatial information, amino acid conservation, physicochemical variation, residue mobility, and thermodynamic stability) performed at Invitae indicates that this missense variant is not expected to disrupt ABCC6 protein function. In summary, the available evidence is currently insufficient to determine the role of this variant in disease. Therefore, it has been classified as a Variant of Uncertain Significance.

Fulgent Genetics
Classification: Uncertain significance for Pseudoxanthoma elasticum, forme fruste; Autosomal recessive inherited pseudoxanthoma elasticum; Arterial calcification, generalized, of infancy, 2. Last evaluated: 2021-11-21. Review status: criteria provided, single submitter. Criteria: ACMG Guidelines, 2015. Collection method: clinical testing. Allele origin: unknown.